The following is an entry in ClinVar:

NM_014244.5(ADAMTS2):c.1282G>A (p.Glu428Lys)

Gene: ADAMTS2 (ADAM metallopeptidase with thrombospondin type 1 motif 2; minus strand). Cytogenetic location: 5q35.3.
Variant type: single nucleotide variant.
Coding change: c.1282G>A on transcript NM_014244.5 (MANE Select); coding-DNA position 1282, G replaced by A.
Protein change: p.Glu428Lys; replaces glutamic acid 428 with lysine.
Molecular consequence: missense variant.
Genome position (GRCh38, 1-based): chr5:179,154,149, C>T on the plus strand (G>A on the coding strand, the complement: ADAMTS2 is on the minus strand). VCF-style: chr5-179154149-C-T. GRCh37 (hg19) VCF-style: chr5-178581150-C-T.
Other names: c.1282G>A, p.Glu428Lys (NM_021599.4); short protein forms E428K.
Identifiers: ClinVar variation 2049506 (VCV002049506.1), dbSNP rs377676303, ClinGen allele CA133050731.

ClinVar aggregate classification (germline): Uncertain significance (1 of 4 stars; one submission).

Conditions:
Ehlers-Danlos syndrome, dermatosparaxis type. Also called: Dermatosparaxis; Ehlers-Danlos syndrome, type VII, autosomal recessive; EDS VIIC. Identifiers: Orphanet 1901, MedGen C2700425, MONDO:0009161, OMIM 225410.

Allele frequency attached by ClinVar (database versions not stated): ESP Exome Variant Server 0.00008.
gnomAD v4.1: 10 of 1,579,306 alleles (0.00063%); highest among the groups gnomAD compares: Non-Finnish European, 0.00068%; no homozygotes.

Submission:

Labcorp Genetics (formerly Invitae), Labcorp
Classification: Uncertain significance for Ehlers-Danlos syndrome, dermatosparaxis type. Last evaluated: 2021-10-14. Review status: criteria provided, single submitter. Criteria: Invitae Variant Classification Sherloc (09022015). Collection method: clinical testing. Allele origin: germline.
Comment: This sequence change replaces glutamic acid with lysine at codon 428 of the ADAMTS2 protein (p.Glu428Lys). The glutamic acid residue is highly conserved and there is a small physicochemical difference between glutamic acid and lysine. This variant is not present in population databases (ExAC no frequency). This variant has not been reported in the literature in individuals affected with ADAMTS2-related conditions. Algorithms developed to predict the effect of missense changes on protein structure and function (SIFT, PolyPhen-2, Align-GVGD) all suggest that this variant is likely to be disruptive. In summary, the available evidence is currently insufficient to determine the role of this variant in disease. Therefore, it has been classified as a Variant of Uncertain Significance.